The following is an entry in ClinVar:

NM_004320.6(ATP2A1):c.1714A>C (p.Lys572Gln)

Gene: ATP2A1 (ATPase sarcoplasmic/endoplasmic reticulum Ca2+ transporting 1; plus strand). Cytogenetic location: 16p11.2.
Variant type: single nucleotide variant.
Coding change: c.1714A>C on transcript NM_004320.6 (MANE Select); coding-DNA position 1714, A replaced by C.
Protein change: p.Lys572Gln; replaces lysine 572 with glutamine.
Molecular consequence: missense variant.
Genome position (GRCh38, 1-based): chr16:28,898,401, A>C. VCF-style: chr16-28898401-A-C. GRCh37 (hg19) VCF-style: chr16-28909722-A-C.
Other names: c.1339A>C, p.Lys447Gln (NM_001286075.2); c.1714A>C, p.Lys572Gln (NM_173201.5); short protein forms K447Q, K572Q.
Identifiers: ClinVar variation 1016267 (VCV001016267.9), dbSNP rs1159716345, ClinGen allele CA395409967.

ClinVar aggregate classification (germline): Uncertain significance (1 of 4 stars; one submission).

Conditions:
Brody myopathy. Also called: BRODY DISEASE. Identifiers: Orphanet 53347, MedGen C1832918, MONDO:0010977, OMIM 601003.

Submission:

Labcorp Genetics (formerly Invitae), Labcorp
Classification: Uncertain significance for Brody myopathy. Last evaluated: 2020-09-05. Review status: criteria provided, single submitter. Criteria: Invitae Variant Classification Sherloc (09022015). Collection method: clinical testing. Allele origin: germline.
Comment: In summary, the available evidence is currently insufficient to determine the role of this variant in disease. Therefore, it has been classified as a Variant of Uncertain Significance. Algorithms developed to predict the effect of sequence changes on RNA splicing suggest that this variant may create or strengthen a splice site, but this prediction has not been confirmed by published transcriptional studies. Algorithms developed to predict the effect of missense changes on protein structure and function are either unavailable or do not agree on the potential impact of this missense change (SIFT: "Deleterious"; PolyPhen-2: "Benign"; Align-GVGD: "Class C0"). This variant has not been reported in the literature in individuals with ATP2A1-related conditions. This variant is not present in population databases (ExAC no frequency). This sequence change replaces lysine with glutamine at codon 572 of the ATP2A1 protein (p.Lys572Gln). The lysine residue is moderately conserved and there is a small physicochemical difference between lysine and glutamine.